The following is an entry in ClinVar:

NM_053025.4(MYLK):c.3449-15A>G

Gene: MYLK (myosin light chain kinase; minus strand). Cytogenetic location: 3q21.1.
Variant type: single nucleotide variant.
Coding change: c.3449-15A>G on transcript NM_053025.4 (MANE Select); 15 bases into the intron before coding-DNA position 3449, A replaced by G.
Molecular consequence: intron variant.
Genome position (GRCh38, 1-based): chr3:123,692,866, T>C on the plus strand (A>G on the coding strand, the complement: MYLK is on the minus strand). VCF-style: chr3-123692866-T-C. GRCh37 (hg19) VCF-style: chr3-123411713-T-C.
Other names: c.2921-15A>G (NM_001321309.2); c.3242-15A>G (NM_053028.4, NM_053026.4); c.3449-15A>G (NM_053027.4).
Identifiers: ClinVar variation 511535 (VCV000511535.2), dbSNP rs772826549, ClinGen allele CA069673.
Genomic context (GRCh38, chr3:123,692,866, plus strand): 5'-CTGTCCTCAGGCAGTGCCTTCTCGATGGAGACGGAGCAGAGTGAGCCTGGGGAGGAAGAA[T>C]TGTGGAGTGAACCAGGTGTGGTCGTAGTACCTGCCCTGGCATCTGGAGCGCAGCAGGTGA-3'

ClinVar aggregate classification (germline): Likely benign. Review status: criteria provided, multiple submitters, no conflicts (2 of 4 stars). 2 submissions from 2 submitters: Likely benign (2). Last evaluated 2025-07-25.

Conditions:
Aortic aneurysm, familial thoracic 7 (AAT7). Also called: AORTIC DISSECTION, FAMILIAL, WITH OR WITHOUT AORTIC ANEURYSM. Identifiers: MedGen C3151077, MONDO:0013418, OMIM 613780.

Allele frequency attached by ClinVar (database versions not stated): gnomAD 0.00001; ExAC 0.00002; TOPMed 0.00003; gnomAD exomes 0.00004.
gnomAD v4.1: 26 of 1,606,562 alleles (0.0016%); highest among the groups gnomAD compares: Admixed American, 0.012%; no homozygotes.

Submissions (2):

Labcorp Genetics (formerly Invitae), Labcorp
Classification: Likely benign for Aortic aneurysm, familial thoracic 7. Last evaluated: 2025-07-25. Review status: criteria provided, single submitter. Criteria: Invitae Variant Classification Sherloc (09022015). Collection method: clinical testing. Allele origin: germline.

GeneDx
Classification: Likely benign. Last evaluated: 2017-08-18. Review status: criteria provided, single submitter. Criteria: GeneDx Variant Classification (06012015). Collection method: clinical testing. Allele origin: germline. Affected: yes.
Comment: This variant is considered likely benign or benign based on one or more of the following criteria: it is a conservative change, it occurs at a poorly conserved position in the protein, it is predicted to be benign by multiple in silico algorithms, and/or has population frequency not consistent with disease.